The following is an entry in ClinVar:

ClinVar aggregate classification (germline): Uncertain significance. Review status: criteria provided, multiple submitters, no conflicts (2 of 4 stars). 4 submissions from 4 submitters: Uncertain significance (4). Last evaluated 2025-01-16.

Conditions:
GALNT12-related disorder. Also called: GALNT12-related condition.
Colorectal cancer, susceptibility to, 1. Also called: COLORECTAL ADENOMA AND CANCER, SUSCEPTIBILITY TO; COLORECTAL CANCER, SUSCEPTIBILITY TO, ON CHROMOSOME 9. Identifiers: MedGen C1837315, MONDO:0012132, OMIM 608812.

Allele frequency attached by ClinVar (database versions not stated): gnomAD exomes below 0.00001.
gnomAD v4.1: 2 of 1,614,230 alleles (0.00012%); highest among the groups gnomAD compares: Admixed American, 0.0033%; no homozygotes.

Submissions (4):

PreventionGenetics, part of Exact Sciences
Classification: Uncertain significance for GALNT12-related condition. Last evaluated: 2025-01-16. Review status: criteria provided, single submitter. Criteria: ACMG Guidelines, 2015. Collection method: clinical testing. Allele origin: germline.
Comment: The GALNT12 c.1606G>A variant is predicted to result in the amino acid substitution p.Asp536Asn. To our knowledge, this variant has not been reported in the literature. This variant is reported in 0.0029% of alleles in individuals of Latino descent in gnomAD. At this time, the clinical significance of this variant is uncertain due to the absence of conclusive functional and genetic evidence.

Ambry Genetics
Classification: Uncertain significance. Last evaluated: 2024-05-30. Review status: criteria provided, single submitter. Criteria: Ambry Variant Classification Scheme 2023. Collection method: clinical testing. Allele origin: germline.
Comment: The p.D536N variant (also known as c.1606G>A) is located in coding exon 10 of the GALNT12 gene. The aspartic acid at codon 536 is replaced by asparagine, an amino acid with highly similar properties. This change occurs in the first base pair of coding exon 10. This amino acid position is conserved. In addition, this alteration is predicted to be tolerated by in silico analysis. Since supporting evidence is limited at this time, the clinical significance of this alteration remains unclear.

Labcorp Genetics (formerly Invitae), Labcorp
Classification: Uncertain significance. Last evaluated: 2024-04-26. Review status: criteria provided, single submitter. Criteria: Invitae Variant Classification Sherloc (09022015). Collection method: clinical testing. Allele origin: germline.
Comment: This sequence change replaces aspartic acid, which is acidic and polar, with asparagine, which is neutral and polar, at codon 536 of the GALNT12 protein (p.Asp536Asn). This variant is present in population databases (no rsID available, gnomAD 0.003%). This variant has not been reported in the literature in individuals affected with GALNT12-related conditions. ClinVar contains an entry for this variant (Variation ID: 1776294). An algorithm developed to predict the effect of missense changes on protein structure and function (PolyPhen-2) suggests that this variant is likely to be disruptive. In summary, the available evidence is currently insufficient to determine the role of this variant in disease. Therefore, it has been classified as a Variant of Uncertain Significance.

Baylor Genetics
Classification: Uncertain significance for Colorectal cancer, susceptibility to, 1. Last evaluated: 2023-12-20. Review status: criteria provided, single submitter. Criteria: ACMG Guidelines, 2015. Collection method: clinical testing. Allele origin: unknown.

NM_024642.5(GALNT12):c.1606G>A (p.Asp536Asn)

Gene: GALNT12 (polypeptide N-acetylgalactosaminyltransferase 12; plus strand). Cytogenetic location: 9q22.33.
Variant type: single nucleotide variant.
Coding change: c.1606G>A on transcript NM_024642.5 (MANE Select); coding-DNA position 1606, G replaced by A.
Protein change: p.Asp536Asn; replaces aspartic acid 536 with asparagine.
Molecular consequence: missense variant.
Genome position (GRCh38, 1-based): chr9:98,848,952, G>A. VCF-style: chr9-98848952-G-A. GRCh37 (hg19) VCF-style: chr9-101611234-G-A.
Other names: short protein forms D536N.
Identifiers: ClinVar variation 1776294 (VCV001776294.8), dbSNP rs1457926819, ClinGen allele CA374222639.